The following is an entry in ClinVar:

ClinVar aggregate classification (germline): Uncertain significance. Review status: criteria provided, multiple submitters, no conflicts (2 of 4 stars). 2 submissions from 2 submitters: Uncertain significance (2). Last evaluated 2024-01-30.

Conditions:
Hereditary cancer-predisposing syndrome. Also called: Hereditary Cancer Syndrome; Tumor predisposition; Neoplastic Syndromes, Hereditary; Hereditary neoplastic syndrome. Identifiers: Orphanet 140162, MedGen C0027672, MeSH D009386, MONDO:0015356.
Renal cell carcinoma. Identifiers: Orphanet 217071, MedGen C0007134, MeSH D002292, MONDO:0005086, HP:0005584.

Allele frequency attached by ClinVar (database versions not stated): gnomAD exomes below 0.00001.
gnomAD v4.1: 1 of 1,614,104 alleles (0.000062%); highest among the groups gnomAD compares: Non-Finnish European, 0.000085%; no homozygotes.

Submissions (2):

Ambry Genetics
Classification: Uncertain significance for Hereditary cancer-predisposing syndrome. Last evaluated: 2024-01-30. Review status: criteria provided, single submitter. Criteria: Ambry Variant Classification Scheme 2023. Collection method: clinical testing. Allele origin: germline.
Comment: The p.S1167T variant (also known as c.3500G>C), located in coding exon 16 of the MET gene, results from a G to C substitution at nucleotide position 3500. The serine at codon 1167 is replaced by threonine, an amino acid with similar properties. This amino acid position is not well conserved in available vertebrate species. In addition, this alteration is predicted to be tolerated by in silico analysis. Based on the available evidence, the clinical significance of this alteration remains unclear.

Labcorp Genetics (formerly Invitae), Labcorp
Classification: Uncertain significance for Renal cell carcinoma. Last evaluated: 2022-08-22. Review status: criteria provided, single submitter. Criteria: Invitae Variant Classification Sherloc (09022015). Collection method: clinical testing. Allele origin: germline.
Comment: In summary, the available evidence is currently insufficient to determine the role of this variant in disease. Therefore, it has been classified as a Variant of Uncertain Significance. Algorithms developed to predict the effect of missense changes on protein structure and function are either unavailable or do not agree on the potential impact of this missense change (SIFT: "Tolerated"; PolyPhen-2: "Possibly Damaging"; Align-GVGD: "Class C0"). ClinVar contains an entry for this variant (Variation ID: 864554). This variant has not been reported in the literature in individuals affected with MET-related conditions. This variant is not present in population databases (gnomAD no frequency). This sequence change replaces serine, which is neutral and polar, with threonine, which is neutral and polar, at codon 1167 of the MET protein (p.Ser1167Thr).

NM_000245.4(MET):c.3446G>C (p.Ser1149Thr)

Gene: MET (MET proto-oncogene, receptor tyrosine kinase; plus strand). Cytogenetic location: 7q31.2.
Variant type: single nucleotide variant.
Coding change: c.3446G>C on transcript NM_000245.4 (MANE Select); coding-DNA position 3446, G replaced by C.
Protein change: p.Ser1149Thr; replaces serine 1149 with threonine.
Molecular consequence: missense variant.
Genome position (GRCh38, 1-based): chr7:116,778,881, G>C. VCF-style: chr7-116778881-G-C. GRCh37 (hg19) VCF-style: chr7-116418935-G-C.
Other names: c.3500G>C, p.Ser1167Thr (NM_001127500.3); c.2156G>C, p.Ser719Thr (NM_001324402.2); short protein forms S1167T, S1149T, S719T.
Identifiers: ClinVar variation 864554 (VCV000864554.7), dbSNP rs1795071435, ClinGen allele CA368990170.